The following is an entry in ClinVar:

NM_002471.4(MYH6):c.5644C>T (p.Arg1882Cys)

Gene: MYH6 (myosin heavy chain 6; minus strand). Cytogenetic location: 14q11.2.
Variant type: single nucleotide variant.
Coding change: c.5644C>T on transcript NM_002471.4 (MANE Select); coding-DNA position 5644, C replaced by T.
Protein change: p.Arg1882Cys; replaces arginine 1882 with cysteine.
Molecular consequence: missense variant.
Genome position (GRCh38, 1-based): chr14:23,383,242, G>A on the plus strand (C>T on the coding strand, the complement: MYH6 is on the minus strand). VCF-style: chr14-23383242-G-A. GRCh37 (hg19) VCF-style: chr14-23852451-G-A.
Other names: short protein forms R1882C.
Identifiers: ClinVar variation 2085502 (VCV002085502.7), dbSNP rs779397173, ClinGen allele CA7114329.

ClinVar aggregate classification (germline): Uncertain significance. Review status: criteria provided, multiple submitters, no conflicts (2 of 4 stars). 3 submissions from 3 submitters: Uncertain significance (3). Last evaluated 2024-02-15.

Conditions:
Hypertrophic cardiomyopathy 14. Identifiers: MedGen C2750467, MONDO:0013197, OMIM 613251.
Cardiovascular phenotype. Identifiers: MedGen CN230736.

Allele frequency attached by ClinVar (database versions not stated): gnomAD exomes 0.00001; TOPMed 0.00001; ExAC 0.00002; gnomAD 0.00004.
gnomAD v4.1: 25 of 1,579,806 alleles (0.0016%); highest among the groups gnomAD compares: South Asian, 0.012%; no homozygotes.

Submissions (3):

Labcorp Genetics (formerly Invitae), Labcorp
Classification: Uncertain significance for Hypertrophic cardiomyopathy 14. Last evaluated: 2024-02-15. Review status: criteria provided, single submitter. Criteria: Invitae Variant Classification Sherloc (09022015). Collection method: clinical testing. Allele origin: germline.
Comment: This sequence change replaces arginine, which is basic and polar, with cysteine, which is neutral and slightly polar, at codon 1882 of the MYH6 protein (p.Arg1882Cys). This variant is present in population databases (rs779397173, gnomAD 0.006%). This variant has not been reported in the literature in individuals affected with MYH6-related conditions. ClinVar contains an entry for this variant (Variation ID: 2085502). Advanced modeling of protein sequence and biophysical properties (such as structural, functional, and spatial information, amino acid conservation, physicochemical variation, residue mobility, and thermodynamic stability) performed at Invitae indicates that this missense variant is expected to disrupt MYH6 protein function with a positive predictive value of 80%. In summary, the available evidence is currently insufficient to determine the role of this variant in disease. Therefore, it has been classified as a Variant of Uncertain Significance.

Ambry Genetics
Classification: Uncertain significance for Cardiovascular phenotype. Last evaluated: 2023-05-30. Review status: criteria provided, single submitter. Criteria: Ambry Variant Classification Scheme 2023. Collection method: clinical testing. Allele origin: germline.
Comment: The p.R1882C variant (also known as c.5644C>T), located in coding exon 35 of the MYH6 gene, results from a C to T substitution at nucleotide position 5644. The arginine at codon 1882 is replaced by cysteine, an amino acid with highly dissimilar properties. This amino acid position is conserved. In addition, this alteration is predicted to be deleterious by in silico analysis. Since supporting evidence is limited at this time, the clinical significance of this alteration remains unclear.

Clinical Genomics Laboratory, Stanford Medicine
Classification: Uncertain significance. Last evaluated: 2022-04-11. Review status: criteria provided, single submitter. Criteria: ACMG Guidelines, 2015. Collection method: clinical testing. Allele origin: germline. Observed: 1 variant allele, 1 heterozygote.
Comment: The p.Arg1882Cys variant in the MYH6 gene has not been previously reported in association with disease. This variant has been identified in 2/30,616 South Asian chromosomes by the Genome Aggregation Database. Computational tools predict that this variant is deleterious; however, the accuracy of in silico algorithms is limited. These data were assessed using the ACMG/AMP variant interpretation guidelines. In summary, the significance of the p.Arg1882Cys variant is uncertain. Additional information is needed to resolve the significance of this variant. [ACMG evidence codes used: PP3]